The following is an entry in ClinVar:

NM_000271.5(NPC1):c.799G>A (p.Ala267Thr)

Gene: NPC1 (NPC intracellular cholesterol transporter 1; minus strand). Cytogenetic location: 18q11.2.
Variant type: single nucleotide variant.
Coding change: c.799G>A on transcript NM_000271.5 (MANE Select); coding-DNA position 799, G replaced by A.
Protein change: p.Ala267Thr; replaces alanine 267 with threonine.
Molecular consequence: missense variant.
Genome position (GRCh38, 1-based): chr18:23,560,313, C>T on the plus strand (G>A on the coding strand, the complement: NPC1 is on the minus strand). VCF-style: chr18-23560313-C-T. GRCh37 (hg19) VCF-style: chr18-21140277-C-T.
Other names: short protein forms A267T.
Identifiers: ClinVar variation 326276 (VCV000326276.10), dbSNP rs886053667, ClinGen allele CA10641153.
Genomic context (GRCh38, chr18:23,560,313, plus strand): 5'-ATGCTCCAAAAAACACAAGCAAAAACGCCATGTAGGTGATCCACATGATGACATACATGG[C>T]GTCCAAGCCAAGGATCGTCCAGGGAGCAGGAGGAGGTGGGGGCTGGGGCTTGGGGCCACA-3'
Protein context (NP_000262.2, residues 257-277): PAPWTILGLD[Ala267Thr]MYVIMWITYM

ClinVar aggregate classification (germline): Uncertain significance. Review status: criteria provided, multiple submitters, no conflicts (2 of 4 stars). 2 submissions from 2 submitters: Uncertain significance (2). Last evaluated 2025-01-06.

Conditions:
Niemann-Pick disease, type C1. Also called: NIEMANN-PICK DISEASE, VARIANT TYPE C1; NEUROVISCERAL STORAGE DISEASE WITH VERTICAL SUPRANUCLEAR OPHTHALMOPLEGIA; NIEMANN-PICK DISEASE WITH CHOLESTEROL ESTERIFICATION BLOCK; NIEMANN-PICK DISEASE WITHOUT SPHINGOMYELINASE DEFICIENCY; NIEMANN-PICK DISEASE, CHRONIC NEURONOPATHIC FORM. Identifiers: Orphanet 646, MedGen C3179455, MONDO:0009757, OMIM 257220.

Allele frequency attached by ClinVar (database versions not stated): gnomAD exomes below 0.00001; gnomAD 0.00001 and 0.00002; TOPMed 0.00002.

Submissions (2):

Labcorp Genetics (formerly Invitae), Labcorp
Classification: Uncertain significance for Niemann-Pick disease, type C1. Last evaluated: 2025-01-06. Review status: criteria provided, single submitter. Criteria: Invitae Variant Classification Sherloc (09022015). Collection method: clinical testing. Allele origin: germline.
Comment: This sequence change replaces alanine, which is neutral and non-polar, with threonine, which is neutral and polar, at codon 267 of the NPC1 protein (p.Ala267Thr). This variant is present in population databases (no rsID available, gnomAD 0.01%). This variant has not been reported in the literature in individuals affected with NPC1-related conditions. ClinVar contains an entry for this variant (Variation ID: 326276). Invitae Evidence Modeling of protein sequence and biophysical properties (such as structural, functional, and spatial information, amino acid conservation, physicochemical variation, residue mobility, and thermodynamic stability) indicates that this missense variant is expected to disrupt NPC1 protein function with a positive predictive value of 95%. In summary, the available evidence is currently insufficient to determine the role of this variant in disease. Therefore, it has been classified as a Variant of Uncertain Significance.

Illumina Laboratory Services, Illumina
Classification: Uncertain significance for Niemann-Pick disease type C1. Last evaluated: 2018-01-13. Review status: criteria provided, single submitter. Criteria: ICSL Variant Classification Criteria 13 December 2019. Collection method: clinical testing. Allele origin: germline.